The following is an entry in ClinVar:

ClinVar aggregate classification (germline): Uncertain significance. Review status: criteria provided, multiple submitters, no conflicts (2 of 4 stars). 4 submissions from 4 submitters: Uncertain significance (4). Last evaluated 2025-11-20.

Conditions:
Hereditary cancer-predisposing syndrome. Also called: Tumor predisposition; Hereditary neoplastic syndrome; Hereditary Cancer Syndrome; Neoplastic Syndromes, Hereditary. Identifiers: Orphanet 140162, MedGen C0027672, MeSH D009386, MONDO:0015356.
Familial adenomatous polyposis 1 (FAP1). Also called: POLYPOSIS, ADENOMATOUS INTESTINAL; FAMILIAL ADENOMATOUS POLYPOSIS 1, ATTENUATED. Identifiers: MedGen C2713442, MONDO:0021056, OMIM 175100. Disease mechanism: loss of function.

Allele frequency attached by ClinVar (database versions not stated): gnomAD exomes below 0.00001.
gnomAD v4.1: 3 of 1,614,112 alleles (0.00019%); highest among the groups gnomAD compares: African/African-American, 0.004%; no homozygotes.

Submissions (4):

Ambry Genetics
Classification: Uncertain significance for Hereditary cancer-predisposing syndrome. Last evaluated: 2025-11-20. Review status: criteria provided, single submitter. Criteria: Ambry Variant Classification Scheme 2023. Collection method: clinical testing. Allele origin: germline.

Labcorp Genetics (formerly Invitae), Labcorp
Classification: Uncertain significance for Familial adenomatous polyposis 1. Last evaluated: 2025-11-17. Review status: criteria provided, single submitter. Criteria: Invitae Variant Classification Sherloc (09022015). Collection method: clinical testing. Allele origin: germline.
Comment: This sequence change replaces valine, which is neutral and non-polar, with alanine, which is neutral and non-polar, at codon 1481 of the APC protein (p.Val1481Ala). This variant is not present in population databases (gnomAD no frequency). This variant has not been reported in the literature in individuals affected with APC-related conditions. ClinVar contains an entry for this variant (Variation ID: 576213). Invitae Evidence Modeling of protein sequence and biophysical properties (such as structural, functional, and spatial information, amino acid conservation, physicochemical variation, residue mobility, and thermodynamic stability) indicates that this missense variant is not expected to disrupt APC protein function with a negative predictive value of 95%. In summary, the available evidence is currently insufficient to determine the role of this variant in disease. Therefore, it has been classified as a Variant of Uncertain Significance.

GeneDx
Classification: Uncertain significance. Last evaluated: 2024-07-29. Review status: criteria provided, single submitter. Criteria: GeneDx Variant Classification Process June 2021. Collection method: clinical testing. Allele origin: germline. Affected: yes.
Comment: Not observed at significant frequency in large population cohorts (gnomAD); In silico analysis indicates that this missense variant does not alter protein structure/function; Has not been previously published as pathogenic or benign to our knowledge

Color Diagnostics, LLC DBA Color Health
Classification: Uncertain significance for Hereditary cancer-predisposing syndrome. Last evaluated: 2023-12-04. Review status: criteria provided, single submitter. Criteria: ACMG Guidelines, 2015. Collection method: clinical testing. Allele origin: germline.
Comment: This missense variant replaces valine with alanine at codon 1481 of the APC protein. Computational prediction suggests that this variant may not impact protein structure and function (internally defined REVEL score threshold <= 0.5, PMID: 27666373). To our knowledge, functional studies have not been reported for this variant. This variant has not been reported in individuals affected with APC-related disorders in the literature. This variant has not been identified in the general population by the Genome Aggregation Database (gnomAD). The available evidence is insufficient to determine the role of this variant in disease conclusively. Therefore, this variant is classified as a Variant of Uncertain Significance.

NM_000038.6(APC):c.4442T>C (p.Val1481Ala)

Gene: APC (APC regulator of Wnt signaling pathway; plus strand). Cytogenetic location: 5q22.2.
Variant type: single nucleotide variant.
Coding change: c.4442T>C on transcript NM_000038.6 (MANE Select); coding-DNA position 4442, T replaced by C.
Protein change: p.Val1481Ala; replaces valine 1481 with alanine.
Molecular consequence: missense variant.
Genome position (GRCh38, 1-based): chr5:112,840,036, T>C. VCF-style: chr5-112840036-T-C. GRCh37 (hg19) VCF-style: chr5-112175733-T-C.
Other names: c.4442T>C, p.Val1481Ala (NM_001127510.3, NM_001354895.2); c.4388T>C, p.Val1463Ala (NM_001127511.3); c.4496T>C, p.Val1499Ala (NM_001354896.2); c.4472T>C, p.Val1491Ala (NM_001354897.2); c.4367T>C, p.Val1456Ala (NM_001354898.2); c.4358T>C, p.Val1453Ala (NM_001354899.2); c.4319T>C, p.Val1440Ala (NM_001354900.2); c.4265T>C, p.Val1422Ala (NM_001354901.2); and 5 more; short protein forms V1463A, V1481A, V1390A, V1440A, V1456A, V1198A, V1355A, V1422A.
Identifiers: ClinVar variation 576213 (VCV000576213.23), dbSNP rs1561592535, ClinGen allele CA16031056.